The following is an entry in ClinVar:

NM_018075.5(ANO10):c.1669-8T>G

Gene: ANO10 (anoctamin 10; minus strand). Cytogenetic location: 3p22.1.
Variant type: single nucleotide variant.
Coding change: c.1669-8T>G on transcript NM_018075.5 (MANE Select); 8 bases into the intron before coding-DNA position 1669, T replaced by G.
Molecular consequence: intron variant.
Genome position (GRCh38, 1-based): chr3:43,549,856, A>C on the plus strand (T>G on the coding strand, the complement: ANO10 is on the minus strand). VCF-style: chr3-43549856-A-C. GRCh37 (hg19) VCF-style: chr3-43591348-A-C.
Other names: c.1471-8T>G (NM_001346469.2, NM_001204832.3, NM_001346466.2); c.1669-8T>G (NM_001346468.2, NM_001346465.2, NM_001204831.3); c.1336-8T>G (NM_001204833.3); c.1099-8T>G (NM_001204834.3); c.1786-8T>G (NM_001346463.2, NM_001346464.2, NM_001346467.2).
Identifiers: ClinVar variation 345178 (VCV000345178.16), dbSNP rs115769245, ClinGen allele CA2340701.

ClinVar aggregate classification (germline): Benign/Likely benign. Review status: criteria provided, multiple submitters, no conflicts (2 of 4 stars). 4 submissions from 4 submitters: Benign (2); Likely benign (2). Last evaluated 2026-02-02.

Conditions:
Autosomal recessive spinocerebellar ataxia 10. Identifiers: Orphanet 284289, MedGen C3150998, MONDO:0013392, OMIM 613728.

Allele frequency attached by ClinVar (database versions not stated): gnomAD exomes 0.00109; ExAC 0.00151; ESP Exome Variant Server 0.00423; gnomAD 0.00479 and 0.00517; 1000 Genomes Project 0.00519; 1000 Genomes Project 30x 0.00562; TOPMed 0.00571.
gnomAD v4.1: 1,438 of 1,613,638 alleles (0.089%); highest among the groups gnomAD compares: African/African-American, 1.7%; 9 homozygotes.

Submissions (6):

Labcorp Genetics (formerly Invitae), Labcorp
Classification: Benign. Last evaluated: 2026-02-02. Review status: criteria provided, single submitter. Criteria: Invitae Variant Classification Sherloc (09022015). Collection method: clinical testing. Allele origin: germline.

Blueprint Genetics
Classification: Likely benign. Last evaluated: 2024-11-26. Review status: criteria provided, single submitter. Criteria: ACMG Guidelines, 2015. Collection method: clinical testing. Allele origin: germline.

Athena Diagnostics
Classification: Benign. Last evaluated: 2024-06-05. Review status: criteria provided, single submitter. Criteria: Athena Diagnostics Criteria. Collection method: clinical testing. Allele origin: unknown.

Illumina Laboratory Services, Illumina
Classification: Likely benign for Autosomal recessive spinocerebellar ataxia 10. Last evaluated: 2018-01-12. Review status: criteria provided, single submitter. Criteria: ICSL Variant Classification Criteria 13 December 2019. Collection method: clinical testing. Allele origin: germline.
Comment: This variant was observed in the ICSL laboratory as part of a predisposition screen in an ostensibly healthy population. It had not been previously curated by ICSL or reported in the Human Gene Mutation Database (HGMD: prior to June 1st, 2018), and was therefore a candidate for classification through an automated scoring system. Utilizing variant allele frequency, disease prevalence and penetrance estimates, and inheritance mode, an automated score was calculated to assess if this variant is too frequent to cause the disease. Based on the score and internal cut-off values, a variant classified as likely benign is not then subjected to further curation. The score for this variant resulted in a classification of likely benign for this disease.

Dr. Peter K. Rogan Lab, Western University
No classification provided (evidence only). Condition: Uterine corpus endometrial carcinoma. Review status: no classification provided. Collection method: in vitro. Allele origin: not applicable. Functional consequence: retained intron. Not counted in ClinVar's aggregate classification.

Dr. Peter K. Rogan Lab, Western University
No classification provided (evidence only). Condition: Gastric cancer. Review status: no classification provided. Collection method: in vitro. Allele origin: not applicable. Functional consequence: retained intron. Not counted in ClinVar's aggregate classification.